The following is an entry in ClinVar:

ClinVar aggregate classification (germline): Uncertain significance. Review status: criteria provided, multiple submitters, no conflicts (2 of 4 stars). 2 submissions from 2 submitters: Uncertain significance (2). Last evaluated 2025-04-09.

Conditions:
Inborn genetic diseases. Identifiers: MedGen C0950123, MeSH D030342.
Fetal akinesia deformation sequence 1 (FADS1). Also called: Fetal akinesia sequence; Pena-Shokeir syndrome type I. Identifiers: Orphanet 994, MedGen C1276035, MONDO:0100101, OMIM 208150, HP:0001989.
Congenital myasthenic syndrome 10. Also called: Myasthenia, limb-girdle, familial. Identifiers: Orphanet 590, MedGen C1850792, MONDO:0009690, OMIM 254300.

Allele frequency attached by ClinVar (database versions not stated): gnomAD 0.00001; TOPMed 0.00001; gnomAD exomes 0.00004 and 0.00005; ESP Exome Variant Server 0.00008; ExAC 0.00028.
gnomAD v4.1: 59 of 1,578,856 alleles (0.0037%); highest among the groups gnomAD compares: Non-Finnish European, 0.0046%; no homozygotes.

Submissions (2):

Ambry Genetics
Classification: Uncertain significance for Inborn genetic diseases. Last evaluated: 2025-04-09. Review status: criteria provided, single submitter. Criteria: Ambry Variant Classification Scheme 2023. Collection method: clinical testing. Allele origin: germline.

Labcorp Genetics (formerly Invitae), Labcorp
Classification: Uncertain significance for Congenital myasthenic syndrome 10; Fetal akinesia deformation sequence 1. Last evaluated: 2024-08-12. Review status: criteria provided, single submitter. Criteria: Invitae Variant Classification Sherloc (09022015). Collection method: clinical testing. Allele origin: germline.
Comment: This sequence change replaces glutamic acid, which is acidic and polar, with glycine, which is neutral and non-polar, at codon 368 of the DOK7 protein (p.Glu368Gly). This variant is present in population databases (rs375795223, gnomAD 0.01%). This variant has not been reported in the literature in individuals affected with DOK7-related conditions. ClinVar contains an entry for this variant (Variation ID: 941459). Advanced modeling of protein sequence and biophysical properties (such as structural, functional, and spatial information, amino acid conservation, physicochemical variation, residue mobility, and thermodynamic stability) performed at Invitae indicates that this missense variant is not expected to disrupt DOK7 protein function with a negative predictive value of 80%. In summary, the available evidence is currently insufficient to determine the role of this variant in disease. Therefore, it has been classified as a Variant of Uncertain Significance.

NM_173660.5(DOK7):c.1103A>G (p.Glu368Gly)

Gene: DOK7 (docking protein 7; plus strand). Cytogenetic location: 4p16.3.
Variant type: single nucleotide variant.
Coding change: c.1103A>G on transcript NM_173660.5 (MANE Select); coding-DNA position 1103, A replaced by G.
Protein change: p.Glu368Gly; replaces glutamic acid 368 with glycine.
Molecular consequence: missense variant. On other transcripts: 3 prime UTR variant (1).
Genome position (GRCh38, 1-based): chr4:3,493,089, A>G. VCF-style: chr4-3493089-A-G. GRCh37 (hg19) VCF-style: chr4-3494816-A-G.
Other names: c.*324A>G (NM_001164673.2); c.173A>G, p.Glu58Gly (NM_001256896.2); c.1103A>G, p.Glu368Gly (NM_001301071.2); c.671A>G, p.Glu224Gly (NM_001363811.2); short protein forms E224G, E58G, E368G.
Identifiers: ClinVar variation 941459 (VCV000941459.7), dbSNP rs375795223, ClinGen allele CA2829362.